The following is an entry in ClinVar:

NM_007294.4(BRCA1):c.5193+11G>C

Gene: BRCA1 (BRCA1 DNA repair associated; minus strand). Cytogenetic location: 17q21.31.
Variant type: single nucleotide variant.
Coding change: c.5193+11G>C on transcript NM_007294.4 (MANE Select); 11 bases into the intron after coding-DNA position 5193, G replaced by C.
Molecular consequence: intron variant.
Genome position (GRCh38, 1-based): chr17:43,063,322, C>G on the plus strand (G>C on the coding strand, the complement: BRCA1 is on the minus strand). VCF-style: chr17-43063322-C-G. GRCh37 (hg19) VCF-style: chr17-41215339-C-G.
Other names: c.1878+11G>C (NM_001408397.1, NM_001408401.1, NM_001408396.1 and 8 more transcripts); c.5187+11G>C (NM_001407632.1, NM_001407627.1, NM_001407861.1 and 14 more transcripts); c.5190+11G>C (NM_001407613.1, NM_001407618.1, NM_001407614.1 and 17 more transcripts); c.1758+11G>C (NM_001408436.1, NM_001408435.1, NM_001408444.1 and 10 more transcripts); c.5070+11G>C (NM_001407665.1, NM_001407938.1, NM_001407667.1 and 6 more transcripts); c.1881+11G>C (NM_001407980.1, NM_001407993.1, NM_001407985.1 and 12 more transcripts); c.1884+11G>C (NM_001407976.1, NM_001407974.1, NM_001407973.1 and 3 more transcripts); c.5193+11G>C (NM_001407603.1, NM_001407854.1, NM_001407598.1 and 7 more transcripts); and 72 more.
Identifiers: ClinVar variation 867800 (VCV000867800.3), dbSNP rs1567768534, ClinGen allele CA916080020.

Conditions:
Breast-ovarian cancer, familial, susceptibility to, 1 (BROVCA1). Also called: BRCA1 Hereditary Breast and Ovarian Cancer; OVARIAN CANCER, SUSCEPTIBILITY TO. Identifiers: Orphanet 145, MedGen C2676676, MONDO:0011450, OMIM 604370. Disease mechanism: loss of function.

Submission:

Brotman Baty Institute, University of Washington
No classification provided (evidence only). Condition: Breast-ovarian cancer, familial 1. Review status: no classification provided. Collection method: in vitro. Allele origin: not applicable. Functional consequence: functionally_normal.
ClinVar note: "not provided" was previously submitted as the classification for the variant. However, the classification appeared to be based only on an observation of functional data so it was converted to no classification on 2025-07-30.